The following is an entry in ClinVar:

NM_003041.4(SLC5A2):c.1499_1506del (p.Leu500fs)

Gene: SLC5A2 (solute carrier family 5 member 2; plus strand). Cytogenetic location: 16p11.2.
Variant type: Deletion.
Coding change: c.1499_1506del on transcript NM_003041.4 (MANE Select); coding-DNA positions 1499 to 1506, 8 bases deleted (TGATTCCC; older notation c.1499_1506delTGATTCCC).
Protein change: p.Leu500fs; shifts the reading frame from leucine 500.
Molecular consequence: frameshift variant. On other transcripts: non-coding transcript variant (1).
Genome position (GRCh38, 1-based): chr16:31,489,172-31,489,179, TGATTCCC deleted; deleting any 8 consecutive bases within chr16:31,489,170-31,489,179 gives the same sequence; the c. name uses the placement nearest the transcript's 3' end. VCF-style (leftmost placement, unchanged base first): chr16-31489169-GCCTGATTC-G. GRCh37 (hg19) VCF-style: chr16-31500490-GCCTGATTC-G.
Other names: short protein forms L500fs.
Identifiers: ClinVar variation 3066386 (VCV003066386.1), dbSNP rs2544889035, ClinGen allele CA2740097882.

ClinVar aggregate classification (germline): Pathogenic (1 of 4 stars; one submission).

Conditions:
Familial renal glucosuria (GLYS). Also called: RENAL GLUCOSURIA, AUTOSOMAL DOMINANT; Familial renal glycosuria. Identifiers: Orphanet 69076, MedGen C3245525, MONDO:0009297, OMIM 233100.

Submission:

MVZ Medizinische Genetik Mainz
Classification: Pathogenic for Familial renal glucosuria. Last evaluated: 2023-11-17. Review status: criteria provided, single submitter. Criteria: UK Practice Guidelines For Variant Classification V4 01 2020. Collection method: clinical testing. Allele origin: germline. Inheritance: Autosomal dominant inheritance. Affected: yes. Observed: 1 variant allele.
Comment: ACMG Criteria: PVS1,PM2_SUP,PP4